The following is an entry in ClinVar:

NM_020928.2(ZSWIM6):c.513C>T (p.Ala171=)

Gene: ZSWIM6 (zinc finger SWIM-type containing 6; plus strand). Cytogenetic location: 5q12.1.
Variant type: single nucleotide variant.
Coding change: c.513C>T on transcript NM_020928.2 (MANE Select); coding-DNA position 513, C replaced by T.
Protein change: p.Ala171=; no amino-acid change (alanine 171 retained).
Molecular consequence: synonymous variant.
Genome position (GRCh38, 1-based): chr5:61,332,785, C>T. VCF-style: chr5-61332785-C-T. GRCh37 (hg19) VCF-style: chr5-60628612-C-T.
Other names: c.513C>T (NM_020928.1).
Identifiers: ClinVar variation 1631281 (VCV001631281.10), dbSNP rs1481566444, ClinGen allele CA444674103.
Genomic context (GRCh38, chr5:61,332,785, plus strand): 5'-CGGCGGCGGCTCCTCGTCTTCCCCGGCCGCAACCTCGGCGGCCGCAACCTCGGCCGCCGC[C>T]GCCGCTGCCGCCGCCGCCGCCGCCGCCGCCGCCGCCGCGGGGGCCGGGGCCCCGTCGGTG-3'
Protein context (NP_065979.1, residues 161-181): ATSAAATSAA[Ala171=]AAAAAAAAAA

ClinVar aggregate classification (germline): Likely benign. Review status: criteria provided, single submitter (1 of 4 stars). 2 submissions from 2 submitters: Likely benign (1). 1 of the submissions does not count toward it. Last evaluated 2024-11-11.

Conditions:
ZSWIM6-related disorder. Also called: ZSWIM6-related condition.

Allele frequency attached by ClinVar (database versions not stated): gnomAD 0.00146 and 0.00150.

Submissions (2):

Labcorp Genetics (formerly Invitae), Labcorp
Classification: Likely benign. Last evaluated: 2024-11-11. Review status: criteria provided, single submitter. Criteria: Invitae Variant Classification Sherloc (09022015). Collection method: clinical testing. Allele origin: germline.

PreventionGenetics, part of Exact Sciences
Classification: Likely benign for ZSWIM6-related condition. Last evaluated: 2021-04-21. Review status: no assertion criteria provided. Collection method: clinical testing. Allele origin: germline. Not counted in ClinVar's aggregate classification.
Comment: This variant is classified as likely benign based on ACMG/AMP sequence variant interpretation guidelines (Richards et al. 2015 PMID: 25741868, with internal and published modifications).